The following is an entry in ClinVar:

NC_000010.10:g.(?_78998319)_(79163801_?)del

Gene: KCNMA1 (potassium calcium-activated channel subfamily M alpha 1; minus strand). Cytogenetic location: 10q22.3.
Variant type: Deletion.
Identifiers: ClinVar variation 1458025 (VCV001458025.6).

ClinVar aggregate classification (germline): Pathogenic (1 of 4 stars; one submission).

Conditions:
Generalized epilepsy-paroxysmal dyskinesia syndrome (PNKD3). Also called: Generalized epilepsy and paroxysmal dyskinesia; Paroxysmal nonkinesigenic dyskinesia, 3, with or without generalized epilepsy. Identifiers: Orphanet 79137, MedGen C5574945, MONDO:0012276, OMIM 609446.

Submission:

Labcorp Genetics (formerly Invitae), Labcorp
Classification: Pathogenic for Generalized epilepsy-paroxysmal dyskinesia syndrome. Last evaluated: 2023-11-20. Review status: criteria provided, single submitter. Criteria: Invitae Variant Classification Sherloc (09022015). Collection method: clinical testing. Allele origin: germline.
Comment: This variant is a gross deletion of the genomic region encompassing exon(s) 2-3 of the KCNMA1 gene. This deletion is out-of-frame, and is expected to create a premature termination codon and result in an absent or disrupted protein product. Loss-of-function variants in KCNMA1 are known to be pathogenic (PMID: 27567911, 29545233). This variant has not been reported in the literature in individuals affected with KCNMA1-related conditions. For these reasons, this variant has been classified as Pathogenic.

Literature cited by the submitters: PubMed 27567911; PubMed 29545233.